The following is an entry in ClinVar:

NM_005210.4(CRYGB):c.283G>A (p.Asp95Asn)

Genes: CRYGB (crystallin gamma B; minus strand), LOC100507443 (uncharacterized LOC100507443; plus strand). Cytogenetic location: 2q33.3.
Variant type: single nucleotide variant.
Coding change: c.283G>A on transcript NM_005210.4 (MANE Select); coding-DNA position 283, G replaced by A.
Protein change: p.Asp95Asn; replaces aspartic acid 95 with asparagine.
Molecular consequence: missense variant.
Genome position (GRCh38, 1-based): chr2:208,142,883, C>T on the plus strand (G>A on the coding strand, the complement: CRYGB is on the minus strand). VCF-style: chr2-208142883-C-T. GRCh37 (hg19) VCF-style: chr2-209007607-C-T.
Other names: short protein forms D95N.
Identifiers: ClinVar variation 3497456 (VCV003497456.2).

ClinVar aggregate classification (germline): Uncertain significance. Review status: criteria provided, multiple submitters, no conflicts (2 of 4 stars). 2 submissions from 2 submitters: Uncertain significance (2). Last evaluated 2025-11-23.

Conditions:
Cataract 39 multiple types. Also called: Cataract 39, multiple types, autosomal dominant. Identifiers: Orphanet 91492, MedGen C3808800, MONDO:0014075, OMIM 615188.

gnomAD v4.1: 67 of 1,610,268 alleles (0.0042%); highest among the groups gnomAD compares: Non-Finnish European, 0.0055%; no homozygotes.

Submissions (2):

Labcorp Genetics (formerly Invitae), Labcorp
Classification: Uncertain significance for Cataract 39 multiple types. Last evaluated: 2025-11-23. Review status: criteria provided, single submitter. Criteria: Invitae Variant Classification Sherloc (09022015). Collection method: clinical testing. Allele origin: germline.
Comment: This sequence change replaces aspartic acid, which is acidic and polar, with asparagine, which is neutral and polar, at codon 95 of the CRYGB protein (p.Asp95Asn). This variant is present in population databases (rs772366824, gnomAD 0.005%). This variant has not been reported in the literature in individuals affected with CRYGB-related conditions. ClinVar contains an entry for this variant (Variation ID: 3497456). An algorithm developed to predict the effect of missense changes on protein structure and function (PolyPhen-2) suggests that this variant is likely to be tolerated. In summary, the available evidence is currently insufficient to determine the role of this variant in disease. Therefore, it has been classified as a Variant of Uncertain Significance.

Ambry Genetics
Classification: Uncertain significance. Last evaluated: 2024-11-15. Review status: criteria provided, single submitter. Criteria: Ambry Variant Classification Scheme 2023. Collection method: clinical testing. Allele origin: germline.